The following is an entry in ClinVar:

NM_182746.3(MCM4):c.1192C>T (p.Pro398Ser)

Gene: MCM4 (minichromosome maintenance complex component 4; plus strand). Cytogenetic location: 8q11.21.
Variant type: single nucleotide variant.
Coding change: c.1192C>T on transcript NM_182746.3 (MANE Select); coding-DNA position 1192, C replaced by T.
Protein change: p.Pro398Ser; replaces proline 398 with serine.
Molecular consequence: missense variant.
Genome position (GRCh38, 1-based): chr8:47,969,815, C>T. VCF-style: chr8-47969815-C-T. GRCh37 (hg19) VCF-style: chr8-48882375-C-T.
Other names: c.1192C>T, p.Pro398Ser (NM_005914.4); short protein forms P398S.
Identifiers: ClinVar variation 2049039 (VCV002049039.4), dbSNP rs921827969, ClinGen allele CA176157988.

ClinVar aggregate classification (germline): Uncertain significance (1 of 4 stars; one submission).

Allele frequency attached by ClinVar (database versions not stated): gnomAD exomes below 0.00001.
gnomAD v4.1: 1 of 1,614,232 alleles (0.000062%); highest among the groups gnomAD compares: South Asian, 0.0011%; no homozygotes.

Submission:

Labcorp Genetics (formerly Invitae), Labcorp
Classification: Uncertain significance. Last evaluated: 2022-09-01. Review status: criteria provided, single submitter. Criteria: Invitae Variant Classification Sherloc (09022015). Collection method: clinical testing. Allele origin: germline.
Comment: This variant is not present in population databases (gnomAD no frequency). In summary, the available evidence is currently insufficient to determine the role of this variant in disease. Therefore, it has been classified as a Variant of Uncertain Significance. Algorithms developed to predict the effect of missense changes on protein structure and function (SIFT, PolyPhen-2, Align-GVGD) all suggest that this variant is likely to be tolerated. This variant has not been reported in the literature in individuals affected with MCM4-related conditions. This sequence change replaces proline, which is neutral and non-polar, with serine, which is neutral and polar, at codon 398 of the MCM4 protein (p.Pro398Ser).